The following is an entry in ClinVar:

ClinVar aggregate classification (germline): Uncertain significance (1 of 4 stars; one submission).

Conditions:
Singleton-Merten syndrome 1 (SGMRT1). Also called: Widened medullary cavities of bone, aortic calcification, abnormal dentition, and muscular weakness; Syndrome of widened medullary cavities of the metacarpals and phalanges, aortic calcification and abnormal dentition. Identifiers: Orphanet 85191, MedGen C4225427, MONDO:0024535, OMIM 182250.
Aicardi-Goutieres syndrome 7 (AGS7). Identifiers: Orphanet 51, MedGen C3888244, MONDO:0014367, OMIM 615846.

Allele frequency attached by ClinVar (database versions not stated): TOPMed below 0.00001.
gnomAD v4.1: 5 of 1,613,884 alleles (0.00031%); highest among the groups gnomAD compares: African/African-American, 0.0013%; no homozygotes.

Submission:

Labcorp Genetics (formerly Invitae), Labcorp
Classification: Uncertain significance for Aicardi-Goutieres syndrome 7; Singleton-Merten syndrome 1. Last evaluated: 2024-04-10. Review status: criteria provided, single submitter. Criteria: Invitae Variant Classification Sherloc (09022015). Collection method: clinical testing. Allele origin: germline.
Comment: This sequence change replaces threonine, which is neutral and polar, with alanine, which is neutral and non-polar, at codon 198 of the IFIH1 protein (p.Thr198Ala). This variant is not present in population databases (gnomAD no frequency). This variant has not been reported in the literature in individuals affected with IFIH1-related conditions. ClinVar contains an entry for this variant (Variation ID: 1381030). Advanced modeling of protein sequence and biophysical properties (such as structural, functional, and spatial information, amino acid conservation, physicochemical variation, residue mobility, and thermodynamic stability) has been performed at Invitae for this missense variant, however the output from this modeling did not meet the statistical confidence thresholds required to predict the impact of this variant on IFIH1 protein function. In summary, the available evidence is currently insufficient to determine the role of this variant in disease. Therefore, it has been classified as a Variant of Uncertain Significance.

NM_022168.4(IFIH1):c.592A>G (p.Thr198Ala)

Gene: IFIH1 (interferon induced with helicase C domain 1; minus strand). Cytogenetic location: 2q24.2.
Variant type: single nucleotide variant.
Coding change: c.592A>G on transcript NM_022168.4 (MANE Select); coding-DNA position 592, A replaced by G.
Protein change: p.Thr198Ala; replaces threonine 198 with alanine.
Molecular consequence: missense variant.
Genome position (GRCh38, 1-based): chr2:162,310,795, T>C on the plus strand (A>G on the coding strand, the complement: IFIH1 is on the minus strand). VCF-style: chr2-162310795-T-C. GRCh37 (hg19) VCF-style: chr2-163167305-T-C.
Other names: short protein forms T198A.
Identifiers: ClinVar variation 1381030 (VCV001381030.8), dbSNP rs1683373192, ClinGen allele CA349010739.
Genomic context (GRCh38, chr2:162,310,795, plus strand): 5'-AAGAATCTTCCTCAGTAAAATTACAAATACCTGCATTGCTTTCTGAGCAATCAGAGCCTG[T>C]TAACTCTTGGACAAGTTCATTGTTTCCTGTTTGACGAAGAACATTCAGAAATGCAGAGAA-3'
Protein context (NP_071451.2, residues 188-208): TGNNELVQEL[Thr198Ala]GSDCSESNAE